The following is an entry in ClinVar:

ClinVar aggregate classification (germline): Benign (1 of 4 stars; one submission).

Conditions:
Dent disease type 1 (DENT1). Also called: NEPHROLITHIASIS 2; NEPHROLITHIASIS, HYPERCALCIURIC, X-LINKED. Identifiers: Orphanet 1652, Orphanet 93622, MedGen C1848336, MONDO:0010225, OMIM 300009.

Allele frequency attached by ClinVar (database versions not stated): 1000 Genomes Project 0.04106; 1000 Genomes Project 30x 0.04204; gnomAD 0.04302 and 0.04593; TOPMed 0.04950.

Submission:

Illumina Laboratory Services, Illumina
Classification: Benign for Dent disease type 1. Last evaluated: 2018-01-12. Review status: criteria provided, single submitter. Criteria: ICSL Variant Classification Criteria 13 December 2019. Collection method: clinical testing. Allele origin: germline.
Comment: This variant was observed in the ICSL laboratory as part of a predisposition screen in an ostensibly healthy population. It had not been previously curated by ICSL or reported in the Human Gene Mutation Database (HGMD: prior to June 1st, 2018), and was therefore a candidate for classification through an automated scoring system. Utilizing variant allele frequency, disease prevalence and penetrance estimates, and inheritance mode, an automated score was calculated to assess if this variant is too frequent to cause the disease. Based on the score and internal cut-off values, a variant classified as benign is not then subjected to further curation. The score for this variant resulted in a classification of benign for this disease.

NM_001127898.4(CLCN5):c.*5144C>T

Gene: CLCN5 (Cl-/H+ antiporter 5; plus strand). Cytogenetic location: Xp11.23.
Variant type: single nucleotide variant.
Coding change: c.*5144C>T on transcript NM_001127898.4 (MANE Select); 5144 bases downstream of the stop codon, C replaced by T.
Molecular consequence: 3 prime UTR variant.
Genome position (GRCh38, 1-based): chrX:50,097,363, C>T. VCF-style: chrX-50097363-C-T. GRCh37 (hg19) VCF-style: chrX-49862020-C-T.
Other names: c.*5144C>T (NM_000084.5, NM_001127899.4, NM_001282163.2).
Identifiers: ClinVar variation 368524 (VCV000368524.5), dbSNP rs111560086, ClinGen allele CA10653980.